The following is an entry in ClinVar:

ClinVar aggregate classification (germline): Pathogenic/Likely pathogenic. Review status: criteria provided, multiple submitters, no conflicts (2 of 4 stars). 3 submissions from 3 submitters: Pathogenic (1); Likely pathogenic (1). 1 of the submissions does not count toward it. Last evaluated 2022-01-01.

Conditions:
MED13L-related disorder. Also called: MED13L-related condition.
Cardiac anomalies - developmental delay - facial dysmorphism syndrome (MRFACD). Also called: Impaired intellectual development and distinctive facial features with or without cardiac defects; MED13L Syndrome. Identifiers: Orphanet 369891, MedGen C5192431, MONDO:0014773, OMIM 616789.

Submissions (3):

Centre de Biologie Pathologie Génétique, Centre Hospitalier Universitaire de Lille
Classification: Pathogenic for Cardiac anomalies - developmental delay - facial dysmorphism syndrome. Last evaluated: 2022-01-01. Review status: criteria provided, single submitter. Criteria: ACMG Guidelines, 2015. Collection method: clinical testing. Allele origin: de novo. Inheritance: Autosomal dominant inheritance. Affected: yes. Observed: 1 heterozygote.
Comment: Not observed at significant frequency in large population cohorts (gnomAD); Missense variant located in exon 15 of MED13L, a gene in which missense variants are a known mechanism of disease; Computational evidence supports a deleterious effect on the gene product (CADD score: 29.1; REVEL score: 0.898); Classified as pathogenic based on ACMG/AMP criteria including PM2, PP2, PP3 (moderate), and PP5; Other pathogenic variants affecting the same amino acid (p.Pro869) have been reported, including p.Pro869Thr (PMID: 33057194) and p.Pro869Ser (PMID: 29511999); This variant is associated with a phenotype characterized by developmental delay, and facial dysmorphism syndrome.

Molecular Genetics Department, Kulakov National Medical Research Center for Obstetrics, Gynecology and Perinatology
Classification: Likely pathogenic for Cardiac anomalies - developmental delay - facial dysmorphism syndrome. Review status: criteria provided, single submitter. Criteria: ACMG Guidelines, 2015. Collection method: clinical testing. Allele origin: germline. Affected: yes.
Comment: A previously undescribed nucleotide variant creates a missense p.Pro869Leu in the MED13L gene. Heterozygous missense variants are reported in patients with Impaired intellectual development and distinctive facial features with or without cardiac defects, 616789. Another missense variant at the same position (p.Pro869Ser) was previously reported as de novo in patients with MED13L-associated intellectual deficiency [Smol et al., 2018, PMID: 29511999; Zhi et al., 2020, PMID: 32646507]. Pathogenicity prediction algorithms classify it as pathogenic (PolyPhen-2: 0.996; Sift: 0.0). The variant is not present in population database (gnomAD no frequency). In summary, the currently available evidence indicates that the variant is pathogenic, but additional data are needed to prove that conclusively. Therefore, this variant has been classified as likely pathogenic.

PreventionGenetics, part of Exact Sciences
Classification: Uncertain significance for MED13L-related condition. Last evaluated: 2024-04-05. Review status: no assertion criteria provided. Collection method: clinical testing. Allele origin: germline. Not counted in ClinVar's aggregate classification.
Comment: The MED13L c.2606C>T variant is predicted to result in the amino acid substitution p.Pro869Leu. To our knowledge, this variant has not been reported in the literature or in a large population database, indicating this variant is rare. Two alternate missense changes at the same amino acid position have been reported in affected individuals, including as a de novo finding in multiple cases (p.Pro869Ser, p.Pro869Thr; Smol et al. 2018. PubMed ID: 29511999; Yi et al. 2020. PubMed ID: 32646507; Table S1, Al-Dewik et al. 2019. PubMed ID: 30919572). This exact variant has been classified as likely pathogenic in an affected individual in the ClinVar database. Although we suspect that the p.Pro869Leu variant may be pathogenic, at this time, the clinical significance of this variant is uncertain due to the absence of conclusive functional and genetic evidence.

NM_015335.5(MED13L):c.2606C>T (p.Pro869Leu)

Gene: MED13L (mediator complex subunit 13L; minus strand). Cytogenetic location: 12q24.21.
Variant type: single nucleotide variant.
Coding change: c.2606C>T on transcript NM_015335.5 (MANE Select); coding-DNA position 2606, C replaced by T.
Protein change: p.Pro869Leu; replaces proline 869 with leucine.
Molecular consequence: missense variant.
Genome position (GRCh38, 1-based): chr12:115,997,194, G>A on the plus strand (C>T on the coding strand, the complement: MED13L is on the minus strand). VCF-style: chr12-115997194-G-A. GRCh37 (hg19) VCF-style: chr12-116434999-G-A.
Other names: c.2606C>T (NM_015335.4); short protein forms P869L.
Identifiers: ClinVar variation 3062233 (VCV003062233.3), dbSNP rs1878458116, ClinGen allele CA386890851.